The following is an entry in ClinVar:

ClinVar aggregate classification (germline): Benign. Review status: criteria provided, multiple submitters, no conflicts (2 of 4 stars). 2 submissions from 2 submitters: Benign (2). Last evaluated 2018-01-13.

Conditions:
Nephronophthisis-like nephropathy 1 (NPHPL1). Identifiers: Orphanet 655, MedGen C3150419, MONDO:0013163, OMIM 613159.

Allele frequency attached by ClinVar (database versions not stated): gnomAD 0.05169 and 0.05556; TOPMed 0.05724.

Submissions (2):

Illumina Laboratory Services, Illumina
Classification: Benign for Nephronophthisis-like nephropathy 1. Last evaluated: 2018-01-13. Review status: criteria provided, single submitter. Criteria: ICSL Variant Classification Criteria 13 December 2019. Collection method: clinical testing. Allele origin: germline.
Comment: This variant was observed in the ICSL laboratory as part of a predisposition screen in an ostensibly healthy population. It had not been previously curated by ICSL or reported in the Human Gene Mutation Database (HGMD: prior to June 1st, 2018), and was therefore a candidate for classification through an automated scoring system. Utilizing variant allele frequency, disease prevalence and penetrance estimates, and inheritance mode, an automated score was calculated to assess if this variant is too frequent to cause the disease. Based on the score and internal cut-off values, a variant classified as benign is not then subjected to further curation. The score for this variant resulted in a classification of benign for this disease.

Breakthrough Genomics
Classification: Benign. Review status: criteria provided, single submitter. Criteria: ACMG Guidelines, 2015. Collection method: not provided. Allele origin: germline. Inheritance: Autosomal recessive inheritance. Affected: yes.

NM_022098.4(XPNPEP3):c.*3690G>T

Gene: XPNPEP3 (X-prolyl aminopeptidase 3; plus strand). Cytogenetic location: 22q13.2.
Variant type: single nucleotide variant.
Coding change: c.*3690G>T on transcript NM_022098.4 (MANE Select); 3690 bases downstream of the stop codon, G replaced by T.
Molecular consequence: 3 prime UTR variant.
Genome position (GRCh38, 1-based): chr22:40,930,125, G>T. VCF-style: chr22-40930125-G-T. GRCh37 (hg19) VCF-style: chr22-41326129-G-T.
Identifiers: ClinVar variation 341737 (VCV000341737.6), dbSNP rs150218150, ClinGen allele CA10651359.